The following is an entry in ClinVar:

NM_001164665.2(KIAA1549):c.1127A>G (p.Asp376Gly)

Gene: KIAA1549 (KIAA1549; minus strand). Cytogenetic location: 7q34.
Variant type: single nucleotide variant.
Coding change: c.1127A>G on transcript NM_001164665.2 (MANE Select); coding-DNA position 1127, A replaced by G.
Protein change: p.Asp376Gly; replaces aspartic acid 376 with glycine.
Molecular consequence: missense variant.
Genome position (GRCh38, 1-based): chr7:138,918,499, T>C on the plus strand (A>G on the coding strand, the complement: KIAA1549 is on the minus strand). VCF-style: chr7-138918499-T-C. GRCh37 (hg19) VCF-style: chr7-138603245-T-C.
Other names: c.1127A>G (NM_001164665.1); c.1127A>G, p.Asp376Gly (NM_020910.3); short protein forms D376G.
Identifiers: ClinVar variation 1001220 (VCV001001220.10), dbSNP rs1257359843, ClinGen allele CA369399650.

ClinVar aggregate classification (germline): Uncertain significance. Review status: criteria provided, multiple submitters, no conflicts (2 of 4 stars). 3 submissions from 3 submitters: Uncertain significance (3). Last evaluated 2026-05-11.

Conditions:
Inborn genetic diseases. Identifiers: MedGen C0950123, MeSH D030342.

Allele frequency attached by ClinVar (database versions not stated): gnomAD exomes below 0.00001; gnomAD 0.00001; TOPMed 0.00001.

Submissions (3):

Ambry Genetics
Classification: Uncertain significance for Inborn genetic diseases. Last evaluated: 2026-05-11. Review status: criteria provided, single submitter. Criteria: Ambry Variant Classification Scheme 2023. Collection method: clinical testing. Allele origin: germline.

Labcorp Genetics (formerly Invitae), Labcorp
Classification: Uncertain significance. Last evaluated: 2025-09-08. Review status: criteria provided, single submitter. Criteria: Invitae Variant Classification Sherloc (09022015). Collection method: clinical testing. Allele origin: germline.
Comment: This sequence change replaces aspartic acid, which is acidic and polar, with glycine, which is neutral and non-polar, at codon 376 of the KIAA1549 protein (p.Asp376Gly). This variant is not present in population databases (gnomAD no frequency). This variant has not been reported in the literature in individuals affected with KIAA1549-related conditions. ClinVar contains an entry for this variant (Variation ID: 1001220). An algorithm developed to predict the effect of missense changes on protein structure and function outputs the following: PolyPhen-2: "Benign". The glycine amino acid residue is found in multiple mammalian species, which suggests that this missense change does not adversely affect protein function. In summary, the available evidence is currently insufficient to determine the role of this variant in disease. Therefore, it has been classified as a Variant of Uncertain Significance.

Blueprint Genetics
Classification: Uncertain significance. Last evaluated: 2022-09-01. Review status: criteria provided, single submitter. Criteria: ACMG Guidelines, 2015. Collection method: clinical testing. Allele origin: germline.